The following is an entry in ClinVar:

NM_138927.4(SON):c.4472C>G (p.Ser1491Cys)

Gene: SON (SON DNA and RNA binding protein; plus strand). Cytogenetic location: 21q22.11.
Variant type: single nucleotide variant.
Coding change: c.4472C>G on transcript NM_138927.4 (MANE Select); coding-DNA position 4472, C replaced by G.
Protein change: p.Ser1491Cys; replaces serine 1491 with cysteine.
Molecular consequence: missense variant. On other transcripts: non-coding transcript variant (1), intron variant (1).
Genome position (GRCh38, 1-based): chr21:33,553,703, C>G. VCF-style: chr21-33553703-C-G. GRCh37 (hg19) VCF-style: chr21-34926009-C-G.
Other names: c.4472C>G, p.Ser1491Cys (NM_001291411.2, NM_001412133.1, NM_032195.3 and 2 more transcripts); c.245-3453C>G (NM_001291412.3); short protein forms S1491C.
Identifiers: ClinVar variation 1951040 (VCV001951040.5), dbSNP rs146720903, ClinGen allele CA410162692.
Genomic context (GRCh38, chr21:33,553,703, plus strand): 5'-CAATGATACTGGAATCTAGTATCATGTCATCACATGTTATGAAAGGAATTAATCTATCCT[C>G]TGGTGATCAAAATCTTGCTCCAGAGATTGGCATGCAGGAGATTGCATTGCATTCAGGTGA-3'
Protein context (NP_620305.3, residues 1481-1501): SHVMKGINLS[Ser1491Cys]GDQNLAPEIG

ClinVar aggregate classification (germline): Uncertain significance (1 of 4 stars; one submission).

Submission:

Labcorp Genetics (formerly Invitae), Labcorp
Classification: Uncertain significance. Last evaluated: 2023-03-21. Review status: criteria provided, single submitter. Criteria: Invitae Variant Classification Sherloc (09022015). Collection method: clinical testing. Allele origin: germline.
Comment: In summary, the available evidence is currently insufficient to determine the role of this variant in disease. Therefore, it has been classified as a Variant of Uncertain Significance. An algorithm developed to predict the effect of missense changes on protein structure and function (PolyPhen-2) suggests that this variant is likely to be tolerated. ClinVar contains an entry for this variant (Variation ID: 1951040). This variant has not been reported in the literature in individuals affected with SON-related conditions. This variant is not present in population databases (gnomAD no frequency). This sequence change replaces serine, which is neutral and polar, with cysteine, which is neutral and slightly polar, at codon 1491 of the SON protein (p.Ser1491Cys).